The following is an entry in ClinVar:

NM_000091.5(COL4A3):c.4036G>T (p.Gly1346Ter)

Genes: MFF-DT (MFF divergent transcript; minus strand), COL4A3 (collagen type IV alpha 3 chain; plus strand). Cytogenetic location: 2q36.3.
Variant type: single nucleotide variant.
Coding change: c.4036G>T on transcript NM_000091.5 (MANE Select); coding-DNA position 4036, G replaced by T.
Protein change: p.Gly1346Ter; replaces glycine 1346 with a stop codon.
Molecular consequence: nonsense.
Genome position (GRCh38, 1-based): chr2:227,304,027, G>T. VCF-style: chr2-227304027-G-T. GRCh37 (hg19) VCF-style: chr2-228168743-G-T.
Other names: short protein forms G1346*.
Identifiers: ClinVar variation 983879 (VCV000983879.3), dbSNP rs2073400756, ClinGen allele CA350862699.

ClinVar aggregate classification (germline): Likely pathogenic (1 of 4 stars; one submission).

Conditions:
Autosomal recessive Alport syndrome (ATS2). Also called: ALPORT SYNDROME 2, AUTOSOMAL RECESSIVE; Alport syndrome type 2; COL4A4 Alport Syndrome and Thin Basement Membrane Nephropathy; COL4A3-Related Nephropathy. Identifiers: Orphanet 63, Orphanet 88919, MedGen C4746745, MONDO:0008762, OMIM 203780.

Submission:

Myriad Genetics, Inc.
Classification: Likely pathogenic for Autosomal recessive Alport syndrome. Last evaluated: 2020-02-23. Review status: criteria provided, single submitter. Criteria: Myriad Women's Health Autosomal Recessive and X-Linked Classification Criteria (2019). Collection method: clinical testing. Allele origin: unknown.
Comment: NM_000091.4(COL4A3):c.4036G>T(G1346*) is expected to be pathogenic in the context of COL4A3-related Alport syndrome. This variant is predicted to lead to an abnormal or absent protein product due to the creation of a premature termination codon in COL4A3, a gene where loss-of-function variants are known to be pathogenic. Please note: this variant was assessed in the context of healthy population screening.